The following is an entry in ClinVar:

NM_001079866.2(BCS1L):c.530G>A (p.Arg177His)

Gene: BCS1L (BCS1 ubiquinol-cytochrome c reductase complex chaperone; plus strand). Cytogenetic location: 2q35.
Variant type: single nucleotide variant.
Coding change: c.530G>A on transcript NM_001079866.2 (MANE Select); coding-DNA position 530, G replaced by A.
Protein change: p.Arg177His; replaces arginine 177 with histidine.
Molecular consequence: missense variant. On other transcripts: non-coding transcript variant (1).
Genome position (GRCh38, 1-based): chr2:218,661,828, G>A. VCF-style: chr2-218661828-G-A. GRCh37 (hg19) VCF-style: chr2-219526551-G-A.
Other names: c.530G>A, p.Arg177His (NM_001257342.2, NM_001257343.2, NM_001257344.2 and 10 more transcripts); c.170G>A, p.Arg57His (NM_001318836.2, NM_001371451.1); c.29G>A, p.Arg10His (NM_001374086.1, NM_001371452.1, NM_001371453.1 and 3 more transcripts); short protein forms R10H, R177H, R57H.
Identifiers: ClinVar variation 4530991 (VCV004530991.1).

ClinVar aggregate classification (germline): Uncertain significance (1 of 4 stars; one submission).

gnomAD v4.1: 21 of 1,614,166 alleles (0.0013%); highest among the groups gnomAD compares: East Asian, 0.0022%; no homozygotes.

Submission:

GeneDx
Classification: Uncertain significance. Last evaluated: 2025-05-21. Review status: criteria provided, single submitter. Criteria: GeneDx Variant Classification Process June 2021. Collection method: clinical testing. Allele origin: germline. Affected: yes.
Comment: Not observed at significant frequency in large population cohorts (gnomAD); In silico analysis supports that this missense variant has a deleterious effect on protein structure/function; Has not been previously published as pathogenic or benign to our knowledge